The following is an entry in ClinVar:

ClinVar aggregate classification (germline): Uncertain significance. Review status: criteria provided, multiple submitters, no conflicts (2 of 4 stars). 2 submissions from 2 submitters: Uncertain significance (2). Last evaluated 2022-07-19.

Conditions:
Hereditary spastic paraplegia. Also called: Familial spastic paraparesis. Identifiers: Orphanet 685, MedGen C0037773, MONDO:0019064. Disease mechanism: loss of function.
Hereditary spastic paraplegia 49 (HSAN9). Also called: Spastic paraplegia 49, autosomal recessive; TECPR2-Related Hereditary Sensory and Autonomic Neuropathy with Intellectual Disability; NEUROPATHY, HEREDITARY SENSORY AND AUTONOMIC, TYPE IX, WITH DEVELOPMENTAL DELAY. Identifiers: Orphanet 320385, MedGen C5190860, MONDO:0014016, OMIM 615031.

Allele frequency attached by ClinVar (database versions not stated): gnomAD exomes below 0.00001; gnomAD 0.00001; TOPMed 0.00002.
gnomAD v4.1: 6 of 1,612,926 alleles (0.00037%); highest among the groups gnomAD compares: East Asian, 0.0045%; no homozygotes.

Submissions (2):

Labcorp Genetics (formerly Invitae), Labcorp
Classification: Uncertain significance for Hereditary spastic paraplegia 49. Last evaluated: 2022-07-19. Review status: criteria provided, single submitter. Criteria: Invitae Variant Classification Sherloc (09022015). Collection method: clinical testing. Allele origin: germline.
Comment: This sequence change replaces serine, which is neutral and polar, with tyrosine, which is neutral and polar, at codon 415 of the TECPR2 protein (p.Ser415Tyr). The frequency data for this variant in the population databases is considered unreliable, as metrics indicate poor data quality at this position in the gnomAD database. This variant has not been reported in the literature in individuals affected with TECPR2-related conditions. ClinVar contains an entry for this variant (Variation ID: 1344145). Algorithms developed to predict the effect of missense changes on protein structure and function are either unavailable or do not agree on the potential impact of this missense change (SIFT: "Deleterious"; PolyPhen-2: "Probably Damaging"; Align-GVGD: "Class C0"). In summary, the available evidence is currently insufficient to determine the role of this variant in disease. Therefore, it has been classified as a Variant of Uncertain Significance.

Genome Diagnostics Laboratory, The Hospital for Sick Children
Classification: Uncertain significance for Hereditary spastic paraplegia. Last evaluated: 2021-06-13. Review status: criteria provided, single submitter. Criteria: ACMG Guidelines, 2015. Collection method: clinical testing. Allele origin: germline. Affected: yes.

NM_014844.5(TECPR2):c.1244C>A (p.Ser415Tyr)

Gene: TECPR2 (tectonin beta-propeller repeat containing 2; plus strand). Cytogenetic location: 14q32.31.
Variant type: single nucleotide variant.
Coding change: c.1244C>A on transcript NM_014844.5 (MANE Select); coding-DNA position 1244, C replaced by A.
Protein change: p.Ser415Tyr; replaces serine 415 with tyrosine.
Molecular consequence: missense variant.
Genome position (GRCh38, 1-based): chr14:102,431,955, C>A. VCF-style: chr14-102431955-C-A. GRCh37 (hg19) VCF-style: chr14-102898292-C-A.
Other names: c.1244C>A, p.Ser415Tyr (NM_001172631.3); short protein forms S415Y.
Identifiers: ClinVar variation 1344145 (VCV001344145.8), dbSNP rs1239046327, ClinGen allele CA391055094.